The following is an entry in ClinVar:

ClinVar aggregate classification (germline): Likely benign (0 of 4 stars; one submission).

Conditions:
GATA4-related disorder. Also called: GATA4-related condition. Identifiers: MedGen CN860321.

Allele frequency attached by ClinVar (database versions not stated): 1000 Genomes Project 30x 0.00016.
gnomAD v4.1: 11 of 152,336 alleles (0.0072%); highest among the groups gnomAD compares: East Asian, 0.019%; no homozygotes.

Submission:

PreventionGenetics, part of Exact Sciences
Classification: Likely benign for GATA4-related condition. Last evaluated: 2023-06-15. Review status: no assertion criteria provided. Collection method: clinical testing. Allele origin: germline.
Comment: This variant is classified as likely benign based on ACMG/AMP sequence variant interpretation guidelines (Richards et al. 2015 PMID: 25741868, with internal and published modifications).

NC_000008.11:g.11703892G>T

Gene: GATA4 (GATA binding protein 4). Cytogenetic location: 8p23.1.
Variant type: single nucleotide variant.
Molecular consequence: intron variant (on NM_001308094.2).
Genome position: GRCh38 VCF-style: chr8-11703892-G-T. GRCh37 (hg19) VCF-style: chr8-11561401-G-T.
Other names: c.-6+3114G>T (NM_001308094.2).
Identifiers: ClinVar variation 3051625 (VCV003051625.2), dbSNP rs560860578, ClinGen allele CA172070371.
Genomic context (GRCh38, chr8:11,703,892, plus strand): 5'-ACCTTCTTCTCTACTGGCCCCGCCCCTCGCCCGCCGCTGCGGGATGAGGACCACAGGAAG[G>T]GGGGGCGGGGAGGGAGAAAGGGAACTCATTAATAAAGCTGACCCTGGGCACCACAGCGAA-3'